The following is an entry in ClinVar:

NM_003482.4(KMT2D):c.7383C>G (p.Asp2461Glu)

Gene: KMT2D (lysine methyltransferase 2D; minus strand). Cytogenetic location: 12q13.12.
Variant type: single nucleotide variant.
Coding change: c.7383C>G on transcript NM_003482.4 (MANE Select); coding-DNA position 7383, C replaced by G.
Protein change: p.Asp2461Glu; replaces aspartic acid 2461 with glutamic acid.
Molecular consequence: missense variant.
Genome position (GRCh38, 1-based): chr12:49,040,387, G>C on the plus strand (C>G on the coding strand, the complement: KMT2D is on the minus strand). VCF-style: chr12-49040387-G-C. GRCh37 (hg19) VCF-style: chr12-49434170-G-C.
Other names: short protein forms D2461E.
Identifiers: ClinVar variation 1945296 (VCV001945296.5), dbSNP rs1943452956, ClinGen allele CA384747814.

ClinVar aggregate classification (germline): Uncertain significance (1 of 4 stars; one submission).

Conditions:
Kabuki syndrome. Also called: NIIKAWA-KUROKI SYNDROME; Kabuki make-up syndrome. Identifiers: Orphanet 2322, MedGen C0796004, MONDO:0016512.

Submission:

Labcorp Genetics (formerly Invitae), Labcorp
Classification: Uncertain significance for Kabuki syndrome. Last evaluated: 2022-06-10. Review status: criteria provided, single submitter. Criteria: Invitae Variant Classification Sherloc (09022015). Collection method: clinical testing. Allele origin: germline.
Comment: In summary, the available evidence is currently insufficient to determine the role of this variant in disease. Therefore, it has been classified as a Variant of Uncertain Significance. Advanced modeling of protein sequence and biophysical properties (such as structural, functional, and spatial information, amino acid conservation, physicochemical variation, residue mobility, and thermodynamic stability) performed at Invitae indicates that this missense variant is not expected to disrupt KMT2D protein function. This variant has not been reported in the literature in individuals affected with KMT2D-related conditions. This variant is not present in population databases (gnomAD no frequency). This sequence change replaces aspartic acid, which is acidic and polar, with glutamic acid, which is acidic and polar, at codon 2461 of the KMT2D protein (p.Asp2461Glu).